The following is an entry in ClinVar:

ClinVar aggregate classification (germline): Likely benign. Review status: criteria provided, multiple submitters, no conflicts (2 of 4 stars). 2 submissions from 2 submitters: Likely benign (2). Last evaluated 2025-03-01.

Submissions (2):

CeGaT Center for Human Genetics Tuebingen
Classification: Likely benign. Last evaluated: 2025-03-01. Review status: criteria provided, single submitter. Criteria: CeGaT Center For Human Genetics Tuebingen Variant Classification Criteria Version 2. Collection method: clinical testing. Allele origin: germline. Affected: yes. Observed: 1 variant allele.
Comment: RBP3: BP4, BP7

Labcorp Genetics (formerly Invitae), Labcorp
Classification: Likely benign. Last evaluated: 2022-08-19. Review status: criteria provided, single submitter. Criteria: Invitae Variant Classification Sherloc (09022015). Collection method: clinical testing. Allele origin: germline.

NM_002900.3(RBP3):c.984G>T (p.Gly328=)

Gene: RBP3 (retinol binding protein 3; plus strand). Cytogenetic location: 10q11.22.
Variant type: single nucleotide variant.
Coding change: c.984G>T on transcript NM_002900.3 (MANE Select); coding-DNA position 984, G replaced by T.
Protein change: p.Gly328=; no amino-acid change (glycine 328 retained).
Molecular consequence: synonymous variant.
Genome position (GRCh38, 1-based): chr10:47,349,468, G>T. VCF-style: chr10-47349468-G-T. GRCh37 (hg19) VCF-style: chr10-48389894-C-A.
Identifiers: ClinVar variation 1950830 (VCV001950830.12), dbSNP rs145181839, ClinGen allele CA5487639.